The following is an entry in ClinVar:

ClinVar aggregate classification (germline): Pathogenic (1 of 4 stars; one submission).

Allele frequency attached by ClinVar (database versions not stated): gnomAD exomes below 0.00001 and 0.00001; ExAC 0.00002; TOPMed 0.00003.

Submission:

Labcorp Genetics (formerly Invitae), Labcorp
Classification: Pathogenic. Last evaluated: 2025-10-01. Review status: criteria provided, single submitter. Criteria: Invitae Variant Classification Sherloc (09022015). Collection method: clinical testing. Allele origin: germline.
Comment: This sequence change creates a premature translational stop signal (p.Ile227Trpfs*18) in the TUBGCP4 gene. It is expected to result in an absent or disrupted protein product. Loss-of-function variants in TUBGCP4 are known to be pathogenic (PMID: 25817018). This variant is present in population databases (rs750641485, gnomAD 0.006%). This variant has not been reported in the literature in individuals affected with TUBGCP4-related conditions. ClinVar contains an entry for this variant (Variation ID: 1397786). For these reasons, this variant has been classified as Pathogenic.

Literature cited by the submitters: PubMed 25817018.

NM_014444.5(TUBGCP4):c.679_680del (p.Ile227fs)

Gene: TUBGCP4 (tubulin gamma complex component 4; plus strand). Cytogenetic location: 15q15.3.
Variant type: Deletion.
Coding change: c.679_680del on transcript NM_014444.5 (MANE Select); coding-DNA positions 679 to 680, 2 bases deleted (AT; older notation c.679_680delAT).
Protein change: p.Ile227fs; shifts the reading frame from isoleucine 227.
Molecular consequence: frameshift variant.
Genome position (GRCh38, 1-based): chr15:43,383,460-43,383,461, AT deleted. VCF-style (leftmost placement, unchanged base first): chr15-43383459-CAT-C. GRCh37 (hg19) VCF-style: chr15-43675657-CAT-C.
Other names: c.679_680del, p.Ile227fs (NM_001286414.3); short protein forms I227fs.
Identifiers: ClinVar variation 1397786 (VCV001397786.6), dbSNP rs750641485, ClinGen allele CA7523837.